The following is an entry in ClinVar:

NM_000179.3(MSH6):c.3587A>T (p.Glu1196Val)

Gene: MSH6 (mutS homolog 6; plus strand). Cytogenetic location: 2p16.3.
Variant type: single nucleotide variant.
Coding change: c.3587A>T on transcript NM_000179.3 (MANE Select); coding-DNA position 3587, A replaced by T.
Protein change: p.Glu1196Val; replaces glutamic acid 1196 with valine.
Molecular consequence: missense variant.
Genome position (GRCh38, 1-based): chr2:47,805,648, A>T. VCF-style: chr2-47805648-A-T. GRCh37 (hg19) VCF-style: chr2-48032787-A-T.
Other names: c.3197A>T, p.Glu1066Val (NM_001281492.2); c.2681A>T, p.Glu894Val (NM_001281493.2, NM_001281494.2); short protein forms E894V, E1066V, E1196V.
Identifiers: ClinVar variation 927298 (VCV000927298.6), dbSNP rs1669961764, ClinGen allele CA346760527.

ClinVar aggregate classification (germline): Uncertain significance. Review status: criteria provided, multiple submitters, no conflicts (2 of 4 stars). 3 submissions from 3 submitters: Uncertain significance (3). Last evaluated 2025-03-12.

Conditions:
Hereditary cancer-predisposing syndrome. Also called: Neoplastic Syndromes, Hereditary; Hereditary Cancer Syndrome; Tumor predisposition; Hereditary neoplastic syndrome. Identifiers: Orphanet 140162, MedGen C0027672, MeSH D009386, MONDO:0015356.
Hereditary nonpolyposis colorectal neoplasms. Identifiers: MedGen C0009405, MeSH D003123.

Allele frequency attached by ClinVar (database versions not stated): gnomAD exomes below 0.00001.
gnomAD v4.1: 1 of 1,613,720 alleles (0.000062%); highest among the groups gnomAD compares: East Asian, 0.0022%; no homozygotes.

Submissions (3):

Labcorp Genetics (formerly Invitae), Labcorp
Classification: Uncertain significance for Hereditary nonpolyposis colorectal neoplasms. Last evaluated: 2025-03-12. Review status: criteria provided, single submitter. Criteria: Invitae Variant Classification Sherloc (09022015). Collection method: clinical testing. Allele origin: germline.
Comment: This sequence change replaces glutamic acid, which is acidic and polar, with valine, which is neutral and non-polar, at codon 1196 of the MSH6 protein (p.Glu1196Val). This variant is not present in population databases (gnomAD no frequency). This missense change has been observed in individual(s) with breast cancer (PMID: 35449176). ClinVar contains an entry for this variant (Variation ID: 927298). Invitae Evidence Modeling of protein sequence and biophysical properties (such as structural, functional, and spatial information, amino acid conservation, physicochemical variation, residue mobility, and thermodynamic stability) indicates that this missense variant is expected to disrupt MSH6 protein function with a positive predictive value of 95%. In summary, the available evidence is currently insufficient to determine the role of this variant in disease. Therefore, it has been classified as a Variant of Uncertain Significance.

Institute for Biomarker Research, Medical Diagnostic Laboratories, L.L.C.
Classification: Uncertain significance for Hereditary cancer-predisposing syndrome. Last evaluated: 2024-06-11. Review status: criteria provided, single submitter. Criteria: ACMG Guidelines, 2015. Collection method: clinical testing. Allele origin: germline.

Color Diagnostics, LLC DBA Color Health
Classification: Uncertain significance for Hereditary cancer-predisposing syndrome. Last evaluated: 2018-11-21. Review status: criteria provided, single submitter. Criteria: ACMG Guidelines, 2015. Collection method: clinical testing. Allele origin: germline.

Literature cited by the submitters: PubMed 35449176 (cited by Labcorp Genetics (formerly Invitae), Labcorp).